The following is an entry in ClinVar:

ClinVar aggregate classification (germline): Likely benign. Review status: criteria provided, multiple submitters, no conflicts (2 of 4 stars). 2 submissions from 2 submitters: Likely benign (2). Last evaluated 2026-01-09.

Conditions:
Aortic aneurysm, familial thoracic 4 (AAT4). Also called: AORTIC ANEURYSM/AORTIC DISSECTION AND PATENT DUCTUS ARTERIOSUS. Identifiers: MedGen C1851504, MONDO:0007568, OMIM 132900.

Allele frequency attached by ClinVar (database versions not stated): gnomAD exomes below 0.00001.

Submissions (2):

Labcorp Genetics (formerly Invitae), Labcorp
Classification: Likely benign for Aortic aneurysm, familial thoracic 4. Last evaluated: 2026-01-09. Review status: criteria provided, single submitter. Criteria: Invitae Variant Classification Sherloc (09022015). Collection method: clinical testing. Allele origin: germline.

GeneDx
Classification: Likely benign. Last evaluated: 2018-01-24. Review status: criteria provided, single submitter. Criteria: GeneDx Variant Classification (06012015). Collection method: clinical testing. Allele origin: germline. Affected: yes.
Comment: This variant is considered likely benign or benign based on one or more of the following criteria: it is a conservative change, it occurs at a poorly conserved position in the protein, it is predicted to be benign by multiple in silico algorithms, and/or has population frequency not consistent with disease.

NM_002474.3(MYH11):c.5614-18del

Genes: NDE1 (nudE neurodevelopment protein 1; plus strand), MYH11 (myosin heavy chain 11; minus strand). Cytogenetic location: 16p13.11.
Variant type: Deletion.
Coding change: c.5614-18del on transcript NM_002474.3 (MANE Select); 18 bases into the intron before coding-DNA position 5614, one base deleted (T; older notation c.5614-18delT).
Molecular consequence: intron variant.
Genome position (GRCh38, 1-based): chr16:15,715,099, A deleted on the plus strand (T on the coding strand, the reverse complement: MYH11 is on the minus strand). VCF-style (leftmost placement, unchanged base first): chr16-15715098-GA-G. GRCh37 (hg19) VCF-style: chr16-15808955-GA-G.
Other names: c.948-9092del (NM_001143979.2, NM_017668.3); c.5614-18del (NM_022844.3); c.5635-18del (NM_001040114.2, NM_001040113.2).
Identifiers: ClinVar variation 515076 (VCV000515076.2), dbSNP rs1555550026, ClinGen allele CA658798546.